The following is an entry in ClinVar:

NM_001207005.2(ZNF233):c.873C>T (p.Tyr291=)

Gene: ZNF233 (zinc finger protein 233; plus strand). Cytogenetic location: 19q13.31.
Variant type: single nucleotide variant.
Coding change: c.873C>T on transcript NM_001207005.2 (MANE Select); coding-DNA position 873, C replaced by T.
Protein change: p.Tyr291=; no amino-acid change (tyrosine 291 retained).
Molecular consequence: synonymous variant. On other transcripts: 3 prime UTR variant (1).
Genome position (GRCh38, 1-based): chr19:44,273,533, C>T. VCF-style: chr19-44273533-C-T. GRCh37 (hg19) VCF-style: chr19-44777686-C-T.
Other names: c.*633C>T (NM_001330529.2); c.873C>T, p.Tyr291= (NM_181756.3).
Identifiers: ClinVar variation 2650079 (VCV002650079.24), dbSNP rs183103711, ClinGen allele CA9498661.

ClinVar aggregate classification (germline): Likely benign (1 of 4 stars; one submission).

Allele frequency attached by ClinVar (database versions not stated): 1000 Genomes Project 30x 0.00016.
gnomAD v4.1: 114 of 1,614,146 alleles (0.0071%); highest among the groups gnomAD compares: South Asian, 0.031%; no homozygotes.

Submission:

CeGaT Center for Human Genetics Tuebingen
Classification: Likely benign. Last evaluated: 2022-07-01. Review status: criteria provided, single submitter. Criteria: CeGaT Center For Human Genetics Tuebingen Variant Classification Criteria Version 2. Collection method: clinical testing. Allele origin: germline. Affected: yes. Observed: 1 variant allele.
Comment: ZNF233: BP4, BP7